The following is an entry in ClinVar:

ClinVar aggregate classification (germline): Conflicting classifications of pathogenicity. Review status: criteria provided, conflicting classifications (1 of 4 stars). 3 submissions from 3 submitters: Uncertain significance (1); Likely benign (2). Last evaluated 2024-07-24.

Conditions:
RASopathy. Also called: rasopathies; Noonan spectrum disorder. Identifiers: Orphanet 536391, MedGen C5555857, MONDO:0021060.
Colorectal cancer. Also called: Colorectal cancer, somatic; Malignant Colorectal Neoplasm. Identifiers: MedGen C0346629, MONDO:0005575, OMIM 114500.
Lung cancer. Also called: Lung cancer, somatic; Malignant tumor of lung. Identifiers: MedGen C0242379, MONDO:0008903, OMIM 211980.
Cardiofaciocutaneous syndrome 1 (CFC1). Also called: BRAF-Related Cardiofaciocutaneous Syndrome; MAP2K1-Related Cardiofaciocutaneous Syndrome; KRAS-Related Cardiofaciocutaneous Syndrome; MAP2K2-Related Cardiofaciocutaneous Syndrome. Identifiers: Orphanet 1340, MedGen CN029449, MONDO:0007265, OMIM 115150. Disease mechanism: gain of function.
LEOPARD syndrome 3 (LPRD3). Identifiers: Orphanet 500, MedGen C3150971, MONDO:0013380, OMIM 613707.
Noonan syndrome 7 (NS7). Also called: BRAF-Related Noonan Syndrome. Identifiers: Orphanet 648, MedGen C3150970, MONDO:0013379, OMIM 613706.
Melanoma, cutaneous malignant, susceptibility to, 1 (CMM1). Also called: DYSPLASTIC NEVUS SYNDROME, HEREDITARY; FAMILIAL ATYPICAL MOLE-MALIGNANT MELANOMA SYNDROME; B-K MOLE SYNDROME; MELANOMA, MALIGNANT. Identifiers: Orphanet 618, MedGen C1835047, MONDO:0007963, OMIM 155600.

Allele frequency attached by ClinVar (database versions not stated): gnomAD exomes below 0.00001 and 0.00001; TOPMed below 0.00001; gnomAD 0.00001.
gnomAD v4.1: 4 of 1,612,872 alleles (0.00025%); highest among the groups gnomAD compares: East Asian, 0.0045%; no homozygotes.

Submissions (3):

GeneDx
Classification: Uncertain significance. Last evaluated: 2024-07-24. Review status: criteria provided, single submitter. Criteria: GeneDx Variant Classification Process June 2021. Collection method: clinical testing. Allele origin: germline. Affected: yes.
Comment: In silico analysis indicates that this variant does not alter splicing; Has not been previously published as pathogenic or benign to our knowledge

Labcorp Genetics (formerly Invitae), Labcorp
Classification: Likely benign for RASopathy. Last evaluated: 2024-07-08. Review status: criteria provided, single submitter. Criteria: Invitae Variant Classification Sherloc (09022015). Collection method: clinical testing. Allele origin: germline.

Fulgent Genetics
Classification: Likely benign for Colorectal cancer; Cardiofaciocutaneous syndrome 1; Melanoma, cutaneous malignant, susceptibility to, 1; Lung cancer; Noonan syndrome 7; LEOPARD syndrome 3. Last evaluated: 2024-04-12. Review status: criteria provided, single submitter. Criteria: ACMG Guidelines, 2015. Collection method: clinical testing. Allele origin: germline.

NM_004333.6(BRAF):c.1797A>G (p.Thr599=)

Gene: BRAF (B-Raf proto-oncogene, serine/threonine kinase; minus strand). Cytogenetic location: 7q34.
Variant type: single nucleotide variant.
Coding change: c.1797A>G on transcript NM_004333.6 (MANE Select); coding-DNA position 1797, A replaced by G.
Protein change: p.Thr599=; no amino-acid change (threonine 599 retained).
Molecular consequence: synonymous variant.
Genome position (GRCh38, 1-based): chr7:140,753,338, T>C on the plus strand (A>G on the coding strand, the complement: BRAF is on the minus strand). VCF-style: chr7-140753338-T-C. GRCh37 (hg19) VCF-style: chr7-140453138-T-C.
Other names: c.1797A>G (NM_004333.4); c.1806A>G, p.Thr602= (NM_001378467.1); c.1797A>G, p.Thr599= (NM_001378468.1, NM_001378474.1, NM_001354609.2); c.1731A>G, p.Thr577= (NM_001378469.1); c.1695A>G, p.Thr565= (NM_001378470.1); c.1686A>G, p.Thr562= (NM_001378471.1); c.1641A>G, p.Thr547= (NM_001378472.1, NM_001378473.1); c.1533A>G, p.Thr511= (NM_001378475.1); and 1 more.
Identifiers: ClinVar variation 1130636 (VCV001130636.11), dbSNP rs1431556127, ClinGen allele CA457986957.